The following is an entry in ClinVar:

ClinVar aggregate classification (germline): Uncertain significance. Review status: criteria provided, multiple submitters, no conflicts (2 of 4 stars). 2 submissions from 2 submitters: Uncertain significance (2). Last evaluated 2025-03-30.

Conditions:
Ataxia-telangiectasia syndrome (AT). Also called: Ataxia-telangiectasia, complementation group D; AT, COMPLEMENTATION GROUP C; Cerebello-oculocutaneous telangiectasia; Immunodeficiency with ataxia telangiectasia; Ataxia-telangiectasia, complementation group E; Ataxia telangiectasia (A-T). Identifiers: Orphanet 100, MedGen C0004135, MONDO:0008840, OMIM 208900.
Hereditary cancer-predisposing syndrome. Also called: Hereditary neoplastic syndrome; Tumor predisposition; Neoplastic Syndromes, Hereditary; Hereditary Cancer Syndrome. Identifiers: Orphanet 140162, MedGen C0027672, MeSH D009386, MONDO:0015356.

Allele frequency attached by ClinVar (database versions not stated): gnomAD exomes below 0.00001.
gnomAD v4.1: 1 of 1,613,826 alleles (0.000062%); highest among the groups gnomAD compares: Non-Finnish European, 0.000085%; no homozygotes.

Submissions (2):

Labcorp Genetics (formerly Invitae), Labcorp
Classification: Uncertain significance for Ataxia-telangiectasia syndrome. Last evaluated: 2025-03-30. Review status: criteria provided, single submitter. Criteria: Invitae Variant Classification Sherloc (09022015). Collection method: clinical testing. Allele origin: germline.
Comment: This sequence change replaces serine, which is neutral and polar, with proline, which is neutral and non-polar, at codon 440 of the ATM protein (p.Ser440Pro). This variant is not present in population databases (gnomAD no frequency). This variant has not been reported in the literature in individuals affected with ATM-related conditions. ClinVar contains an entry for this variant (Variation ID: 2453990). Invitae Evidence Modeling of protein sequence and biophysical properties (such as structural, functional, and spatial information, amino acid conservation, physicochemical variation, residue mobility, and thermodynamic stability) indicates that this missense variant is not expected to disrupt ATM protein function with a negative predictive value of 95%. In summary, the available evidence is currently insufficient to determine the role of this variant in disease. Therefore, it has been classified as a Variant of Uncertain Significance.

Ambry Genetics
Classification: Uncertain significance for Hereditary cancer-predisposing syndrome. Last evaluated: 2023-02-24. Review status: criteria provided, single submitter. Criteria: Ambry Variant Classification Scheme 2023. Collection method: clinical testing. Allele origin: germline.
Comment: The p.S440P variant (also known as c.1318T>C), located in coding exon 9 of the ATM gene, results from a T to C substitution at nucleotide position 1318. The serine at codon 440 is replaced by proline, an amino acid with similar properties. This amino acid position is conserved. In addition, this alteration is predicted to be tolerated by in silico analysis. Since supporting evidence is limited at this time, the clinical significance of this alteration remains unclear.

NM_000051.4(ATM):c.1318T>C (p.Ser440Pro)

Gene: ATM (ATM serine/threonine kinase; plus strand). Cytogenetic location: 11q22.3.
Variant type: single nucleotide variant.
Coding change: c.1318T>C on transcript NM_000051.4 (MANE Select); coding-DNA position 1318, T replaced by C.
Protein change: p.Ser440Pro; replaces serine 440 with proline.
Molecular consequence: missense variant.
Genome position (GRCh38, 1-based): chr11:108,250,783, T>C. VCF-style: chr11-108250783-T-C. GRCh37 (hg19) VCF-style: chr11-108121510-T-C.
Other names: c.1318T>C, p.Ser440Pro (NM_001351834.2); short protein forms S440P.
Identifiers: ClinVar variation 2453990 (VCV002453990.3), dbSNP rs2135318467, ClinGen allele CA382533659.